The following is an entry in ClinVar:

NM_001365088.1(SLC12A6):c.1151C>A (p.Ser384Ter)

Gene: SLC12A6 (solute carrier family 12 member 6; minus strand). Cytogenetic location: 15q14.
Variant type: single nucleotide variant.
Coding change: c.1151C>A on transcript NM_001365088.1 (MANE Select); coding-DNA position 1151, C replaced by A.
Protein change: p.Ser384Ter; replaces serine 384 with a stop codon.
Molecular consequence: nonsense.
Genome position (GRCh38, 1-based): chr15:34,252,352, G>T on the plus strand (C>A on the coding strand, the complement: SLC12A6 is on the minus strand). VCF-style: chr15-34252352-G-T. GRCh37 (hg19) VCF-style: chr15-34544553-G-T.
Other names: c.974C>A, p.Ser325Ter (NM_001042494.2, NM_001042495.2); c.1124C>A, p.Ser375Ter (NM_001042496.2); c.1106C>A, p.Ser369Ter (NM_001042497.2); c.998C>A, p.Ser333Ter (NM_005135.2); c.1151C>A, p.Ser384Ter (NM_133647.2); short protein forms S325*, S333*, S369*, S375*, S384*.
Identifiers: ClinVar variation 1724115 (VCV001724115.2), dbSNP rs1892451015, ClinGen allele CA391607635.

ClinVar aggregate classification (germline): Likely pathogenic (1 of 4 stars; one submission).

Conditions:
Agenesis of the corpus callosum with peripheral neuropathy (ACCPN). Also called: CHARLEVOIX DISEASE; POLYNEUROPATHY, SENSORIMOTOR, WITH OR WITHOUT AGENESIS OF THE CORPUS CALLOSUM; HMSN/ACC; Hereditary Motor and Sensory Neuropathy with Agenesis of the Corpus Callosum. Identifiers: Orphanet 1496, MedGen C0795950, MONDO:0000902, OMIM 218000. Disease mechanism: loss of function.

Submission:

Myriad Genetics, Inc.
Classification: Likely pathogenic for Agenesis of the corpus callosum with peripheral neuropathy. Last evaluated: 2022-01-25. Review status: criteria provided, single submitter. Criteria: Myriad Women's Health Autosomal Recessive and X-Linked Classification Criteria (2021). Collection method: clinical testing. Allele origin: unknown.
Comment: NM_133647.1(SLC12A6):c.1151C>A(S384*) is expected to be pathogenic in the context of Andermann syndrome. This variant is predicted to lead to an abnormal or absent protein product due to the creation of a premature termination codon in SLC12A6, a gene where loss-of-function variants are known to be pathogenic. Please note: this variant was assessed in the context of healthy population screening.